The following is an entry in ClinVar:

NM_014727.3(KMT2B):c.1120A>G (p.Lys374Glu)

Gene: KMT2B (lysine methyltransferase 2B; plus strand). Cytogenetic location: 19q13.12.
Variant type: single nucleotide variant.
Coding change: c.1120A>G on transcript NM_014727.3 (MANE Select); coding-DNA position 1120, A replaced by G.
Protein change: p.Lys374Glu; replaces lysine 374 with glutamic acid.
Molecular consequence: missense variant.
Genome position (GRCh38, 1-based): chr19:35,720,467, A>G. VCF-style: chr19-35720467-A-G. GRCh37 (hg19) VCF-style: chr19-36211369-A-G.
Other names: short protein forms K374E.
Identifiers: ClinVar variation 1950961 (VCV001950961.5), dbSNP rs2513313991, ClinGen allele CA405384677.

ClinVar aggregate classification (germline): Uncertain significance (1 of 4 stars; one submission).

Allele frequency attached by ClinVar (database versions not stated): gnomAD exomes below 0.00001.
gnomAD v4.1: 2 of 1,551,274 alleles (0.00013%); highest among the groups gnomAD compares: Non-Finnish European, 0.00017%; no homozygotes.

Submission:

Labcorp Genetics (formerly Invitae), Labcorp
Classification: Uncertain significance. Last evaluated: 2022-10-03. Review status: criteria provided, single submitter. Criteria: Invitae Variant Classification Sherloc (09022015). Collection method: clinical testing. Allele origin: germline.
Comment: In summary, the available evidence is currently insufficient to determine the role of this variant in disease. Therefore, it has been classified as a Variant of Uncertain Significance. Advanced modeling of protein sequence and biophysical properties (such as structural, functional, and spatial information, amino acid conservation, physicochemical variation, residue mobility, and thermodynamic stability) performed at Invitae indicates that this missense variant is not expected to disrupt KMT2B protein function. This variant has not been reported in the literature in individuals affected with KMT2B-related conditions. This variant is not present in population databases (gnomAD no frequency). This sequence change replaces lysine, which is basic and polar, with glutamic acid, which is acidic and polar, at codon 374 of the KMT2B protein (p.Lys374Glu).